The following is an entry in ClinVar:

NM_017777.4(MKS1):c.832G>T (p.Glu278Ter)

Gene: MKS1 (MKS transition zone complex subunit 1; minus strand). Cytogenetic location: 17q22.
Variant type: single nucleotide variant.
Coding change: c.832G>T on transcript NM_017777.4 (MANE Select); coding-DNA position 832, G replaced by T.
Protein change: p.Glu278Ter; replaces glutamic acid 278 with a stop codon.
Molecular consequence: nonsense.
Genome position (GRCh38, 1-based): chr17:58,213,008, C>A on the plus strand (G>T on the coding strand, the complement: MKS1 is on the minus strand). VCF-style: chr17-58213008-C-A. GRCh37 (hg19) VCF-style: chr17-56290369-C-A.
Other names: c.223G>T, p.Glu75Ter (NM_001321268.2); c.832G>T, p.Glu278Ter (NM_001321269.2, NM_001330397.2, NM_001411113.1); short protein forms E278*, E75*.
Identifiers: ClinVar variation 1726037 (VCV001726037.3), dbSNP rs911132717, ClinGen allele CA400326377.

ClinVar aggregate classification (germline): Likely pathogenic (1 of 4 stars; one submission).

Conditions:
Ciliopathy. Also called: Ciliopathies. Identifiers: Orphanet 363250, MedGen C4277690, MONDO:0005308, MeSH D000072661.

Submission:

Myriad Genetics, Inc.
Classification: Likely pathogenic for Ciliopathy. Last evaluated: 2022-05-08. Review status: criteria provided, single submitter. Criteria: Myriad Autosomal Dominant, Autosomal Recessive and X-Linked Classification Criteria (2023). Collection method: clinical testing. Allele origin: unknown.
Comment: NM_017777.3(MKS1):c.832G>T(E278*) is expected to be pathogenic in the context of MKS1-related disorders. This variant is predicted to lead to an abnormal or absent protein product due to the creation of a premature termination codon in MKS1, a gene where loss-of-function variants are known to be pathogenic. Please note: this variant was assessed in the context of healthy population screening.